The following is an entry in ClinVar:

ClinVar aggregate classification (germline): Uncertain significance. Review status: criteria provided, multiple submitters, no conflicts (2 of 4 stars). 2 submissions from 2 submitters: Uncertain significance (2). Last evaluated 2023-03-01.

Conditions:
Familial melanoma. Also called: Hereditary melanoma; Hereditary cutaneous melanoma. Identifiers: Orphanet 618, MedGen C1512419, MONDO:0018961.
Hereditary cancer-predisposing syndrome. Also called: Neoplastic Syndromes, Hereditary; Tumor predisposition; Hereditary neoplastic syndrome; Hereditary Cancer Syndrome. Identifiers: Orphanet 140162, MedGen C0027672, MeSH D009386, MONDO:0015356.

gnomAD v4.1: 2 of 1,614,160 alleles (0.00012%); highest among the groups gnomAD compares: Admixed American, 0.0033%; no homozygotes.

Submissions (2):

Labcorp Genetics (formerly Invitae), Labcorp
Classification: Uncertain significance for Familial melanoma. Last evaluated: 2023-03-01. Review status: criteria provided, single submitter. Criteria: Invitae Variant Classification Sherloc (09022015). Collection method: clinical testing. Allele origin: germline.
Comment: This variant has not been reported in the literature in individuals affected with CDK4-related conditions. This sequence change replaces arginine, which is basic and polar, with glycine, which is neutral and non-polar, at codon 139 of the CDK4 protein (p.Arg139Gly). This variant is present in population databases (rs753579957, gnomAD 0.006%). ClinVar contains an entry for this variant (Variation ID: 824640). Advanced modeling of protein sequence and biophysical properties (such as structural, functional, and spatial information, amino acid conservation, physicochemical variation, residue mobility, and thermodynamic stability) performed at Invitae indicates that this missense variant is expected to disrupt CDK4 protein function. In summary, the available evidence is currently insufficient to determine the role of this variant in disease. Therefore, it has been classified as a Variant of Uncertain Significance.

Ambry Genetics
Classification: Uncertain significance for Hereditary cancer-predisposing syndrome. Last evaluated: 2019-01-02. Review status: criteria provided, single submitter. Criteria: Ambry Variant Classification Scheme 2023. Collection method: clinical testing. Allele origin: germline.
Comment: The p.R139G variant (also known as c.415C>G), located in coding exon 3 of the CDK4 gene, results from a C to G substitution at nucleotide position 415. The arginine at codon 139 is replaced by glycine, an amino acid with dissimilar properties. This amino acid position is highly conserved in available vertebrate species. In addition, this alteration is predicted to be deleterious by in silico analysis. Since supporting evidence is limited at this time, the clinical significance of this alteration remains unclear.

NM_000075.4(CDK4):c.415C>G (p.Arg139Gly)

Gene: CDK4 (cyclin dependent kinase 4; minus strand). Cytogenetic location: 12q14.1.
Variant type: single nucleotide variant.
Coding change: c.415C>G on transcript NM_000075.4 (MANE Select); coding-DNA position 415, C replaced by G.
Protein change: p.Arg139Gly; replaces arginine 139 with glycine.
Molecular consequence: missense variant.
Genome position (GRCh38, 1-based): chr12:57,751,030, G>C on the plus strand (C>G on the coding strand, the complement: CDK4 is on the minus strand). VCF-style: chr12-57751030-G-C. GRCh37 (hg19) VCF-style: chr12-58144813-G-C.
Other names: short protein forms R139G.
Identifiers: ClinVar variation 824640 (VCV000824640.9), dbSNP rs753579957, ClinGen allele CA6657807.
Genomic context (GRCh38, chr12:57,751,030, plus strand): 5'-AGTCAGCCAGCTTGACTGTTCCACCACTTGTCACCAGAATGTTCTCTGGCTTCAGATCTC[G>C]GTGAACGATGCAATTGGCATGAAGGAAATCTAGGCCTCTTAGAAACTGGCGCATCAGATC-3'
Protein context (NP_000066.1, residues 129-149): DFLHANCIVH[Arg139Gly]DLKPENILVT